The following is an entry in ClinVar:

ClinVar aggregate classification (germline): Uncertain significance. Review status: criteria provided, multiple submitters, no conflicts (2 of 4 stars). 2 submissions from 2 submitters: Uncertain significance (2). Last evaluated 2022-06-03.

Conditions:
Developmental and epileptic encephalopathy, 48 (DEE48). Also called: Epileptic encephalopathy, early infantile, 48. Identifiers: MedGen C4310637, MONDO:0015000, OMIM 617276.

Allele frequency attached by ClinVar (database versions not stated): ExAC 0.00001; gnomAD exomes 0.00001 and 0.00002; gnomAD 0.00002.
gnomAD v4.1: 10 of 1,613,576 alleles (0.00062%); highest among the groups gnomAD compares: African/African-American, 0.0093%; no homozygotes.

Submissions (2):

Labcorp Genetics (formerly Invitae), Labcorp
Classification: Uncertain significance. Last evaluated: 2022-06-03. Review status: criteria provided, single submitter. Criteria: Invitae Variant Classification Sherloc (09022015). Collection method: clinical testing. Allele origin: germline.
Comment: This sequence change replaces aspartic acid, which is acidic and polar, with glutamic acid, which is acidic and polar, at codon 874 of the AP3B2 protein (p.Asp874Glu). This variant is present in population databases (rs757342482, gnomAD 0.01%). This variant has not been reported in the literature in individuals affected with AP3B2-related conditions. ClinVar contains an entry for this variant (Variation ID: 1034107). Algorithms developed to predict the effect of missense changes on protein structure and function output the following: SIFT: "Tolerated"; PolyPhen-2: "Benign"; Align-GVGD: "Class C0". The glutamic acid amino acid residue is found in multiple mammalian species, which suggests that this missense change does not adversely affect protein function. In summary, the available evidence is currently insufficient to determine the role of this variant in disease. Therefore, it has been classified as a Variant of Uncertain Significance.

Baylor Genetics
Classification: Uncertain significance for Developmental and epileptic encephalopathy, 48. Last evaluated: 2018-01-22. Review status: criteria provided, single submitter. Criteria: ACMG Guidelines, 2015. Collection method: clinical testing. Allele origin: paternal. Affected: yes.
Comment: This variant was determined to be of uncertain significance according to ACMG Guidelines, 2015 [PMID:25741868].

NM_001278512.2(AP3B2):c.2679C>G (p.Asp893Glu)

Genes: AP3B2 (adaptor related protein complex 3 subunit beta 2; minus strand), CPEB1-AS1 (CPEB1 antisense RNA 1; plus strand). Cytogenetic location: 15q25.2.
Variant type: single nucleotide variant.
Coding change: c.2679C>G on transcript NM_001278512.2 (MANE Select); coding-DNA position 2679, C replaced by G.
Protein change: p.Asp893Glu; replaces aspartic acid 893 with glutamic acid.
Molecular consequence: missense variant.
Genome position (GRCh38, 1-based): chr15:82,662,848, G>C on the plus strand (C>G on the coding strand, the complement: AP3B2 is on the minus strand). VCF-style: chr15-82662848-G-C. GRCh37 (hg19) VCF-style: chr15-83331600-G-C.
Other names: c.2526C>G, p.Asp842Glu (NM_001278511.2); c.2622C>G, p.Asp874Glu (NM_004644.5); short protein forms D842E, D874E, D893E.
Identifiers: ClinVar variation 1034107 (VCV001034107.6), dbSNP rs757342482, ClinGen allele CA7699820.